The following is an entry in ClinVar:

NM_001015877.2(PHF6):c.1024C>T (p.Arg342Ter)

Gene: PHF6 (PHD finger protein 6; plus strand). Cytogenetic location: Xq26.2.
Variant type: single nucleotide variant.
Coding change: c.1024C>T on transcript NM_001015877.2 (MANE Select); coding-DNA position 1024, C replaced by T.
Protein change: p.Arg342Ter; replaces arginine 342 with a stop codon.
Molecular consequence: nonsense.
Genome position (GRCh38, 1-based): chrX:134,425,256, C>T. VCF-style: chrX-134425256-C-T. GRCh37 (hg19) VCF-style: chrX-133559286-C-T.
Other names: c.1024C>T, p.Arg342Ter (NM_032458.3, LRG_629t1); c.1024C>T (NM_032458.2); short protein forms R342*.
Identifiers: ClinVar variation 11063 (VCV000011063.41), dbSNP rs132630297, ClinGen allele CA121315.

ClinVar aggregate classification (germline): Pathogenic. Review status: criteria provided, multiple submitters, no conflicts (2 of 4 stars). 7 submissions from 7 submitters: Pathogenic (6). 1 of the submissions does not count toward it. Last evaluated 2024-10-03.

Conditions:
Borjeson-Forssman-Lehmann syndrome (BFLS). Also called: BORJESON SYNDROME; MENTAL RETARDATION, X-LINKED, SYNDROMIC, BORJESON-FORSSMAN-LEHMANN TYPE; MENTAL RETARDATION, EPILEPSY, AND ENDOCRINE DISORDERS. Identifiers: Orphanet 127, MedGen C0265339, MONDO:0010537, OMIM 301900.
Intellectual disability. Also called: Intellectual developmental disorder; Intellectual functioning disability; intellectual disabilities. Identifiers: MedGen C3714756, MeSH D008607, MONDO:0001071, HP:0001249.

Submissions (7):

Human Genetics Laboratory, State University of Rio de Janeiro
Classification: Pathogenic for Intellectual disability. Last evaluated: 2024-10-03. Review status: criteria provided, single submitter. Criteria: ACMG Guidelines, 2015. Collection method: research. Allele origin: maternal. Inheritance: X-linked inheritance. Affected: yes. Observed: 1 hemizygote.
Comment: The pathogenic variant in the PHF6 gene (NM_001015877.2:c.1024C>T; p.Arg342*, rs132630297) is a recurrent mutation initially identified in the original Börjeson-Forssman-Lehmann Syndrome family. This variant introduces a premature stop codon, potentially leading to transcript degradation via nonsense-mediated decay. According to the ACMG guidelines, the variant is pathogenic (criteria PVS1, PM2, PP5). PVS1 - pathogenic Moderate, null variant in a gene where the loss of function is a known mechanism of disease; PM2 - pathogenic Moderate, extremely low frequency in gnomAD population databases; PP5 - pathogenic Very Strong, reputable source recently reports variant as pathogenic, but the evidence is not available to the laboratory to perform an independent evaluation

GeneDx
Classification: Pathogenic. Last evaluated: 2024-09-16. Review status: criteria provided, single submitter. Criteria: GeneDx Variant Classification Process June 2021. Collection method: clinical testing. Allele origin: germline. Affected: yes.
Comment: Nonsense variant predicted to result in protein truncation, as the last 24 amino acids are lost, and other loss-of-function variants have been reported downstream in HGMD; Not observed at significant frequency in large population cohorts (gnomAD); Published functional studies of mouse models suggest reduced transcription, impaired regulation, and loss of protein expression compared to wildtype (PMID: 33772537, 38429579); This variant is associated with the following publications: (PMID: 28554332, 33057194, 35904121, 15241480, 33504798, 35982159, 31785789, 35662002, 38787418, 33149206, 37704779, 38429579, 12415272, 33772537)

CeGaT Center for Human Genetics Tuebingen
Classification: Pathogenic. Last evaluated: 2022-06-01. Review status: criteria provided, single submitter. Criteria: CeGaT Center For Human Genetics Tuebingen Variant Classification Criteria Version 2. Collection method: clinical testing. Allele origin: germline. Affected: yes. Observed: 1 variant allele.
Comment: PHF6: PVS1, PM2

Labcorp Genetics (formerly Invitae), Labcorp
Classification: Pathogenic for Borjeson-Forssman-Lehmann syndrome. Last evaluated: 2021-03-15. Review status: criteria provided, single submitter. Criteria: Invitae Variant Classification Sherloc (09022015). Collection method: clinical testing. Allele origin: germline.
Comment: For these reasons, this variant has been classified as Pathogenic. This variant has been observed in individual(s) with clinical features of Borjeson–Forssman–Lehmann Syndrome (PMID: 12415272, 15241480, 28554332, Invitae). ClinVar contains an entry for this variant (Variation ID: 11063). This variant is not present in population databases (ExAC no frequency). This sequence change creates a premature translational stop signal (p.Arg342*) in the PHF6 gene. While this is not anticipated to result in nonsense mediated decay, it is expected to disrupt the last 24 amino acid(s) of the PHF6 protein.

Equipe Genetique des Anomalies du Developpement, Université de Bourgogne
Classification: Pathogenic for Borjeson-Forssman-Lehmann syndrome. Last evaluated: 2018-01-17. Review status: criteria provided, single submitter. Criteria: ACMG Guidelines, 2015. Collection method: clinical testing. Allele origin: unknown. Affected: yes. Study: Clinvar_gadteam_Clinical_exome_analysis_3.

HudsonAlpha Institute for Biotechnology
Classification: Pathogenic for Borjeson-Forssman-Lehmann syndrome. Last evaluated: 2016-06-09. Review status: criteria provided, single submitter. Criteria: HA_assertions_20161101. Collection method: research. Allele origin: maternal. Affected: yes. Observed: 2 variant alleles. Study: CSER-HudsonAlpha.

OMIM
Classification: Pathogenic for BORJESON-FORSSMAN-LEHMANN SYNDROME. Last evaluated: 2004-10-01. Review status: no assertion criteria provided. Collection method: literature only. Allele origin: germline. Not counted in ClinVar's aggregate classification.

Literature cited by the submitters: PubMed 12415272 (cited by 3 submitters); PubMed 15241480 (cited by Labcorp Genetics (formerly Invitae), Labcorp and OMIM); PubMed 28554332 (cited by Labcorp Genetics (formerly Invitae), Labcorp); PubMed 13871358 (cited by OMIM).